The following is an entry in ClinVar:

ClinVar aggregate classification (germline): Conflicting classifications of pathogenicity. Review status: criteria provided, conflicting classifications (1 of 4 stars). 5 submissions from 5 submitters: Likely pathogenic (1); Uncertain significance (3). 1 of the submissions does not count toward it. Last evaluated 2022-11-08.

Conditions:
Tuberous sclerosis syndrome (TSC). Also called: Tuberous Sclerosis Complex; Tuberous sclerosis. Identifiers: Orphanet 805, MedGen C0041341, MONDO:0001734.
Tuberous sclerosis 2 (TSC2). Identifiers: Orphanet 805, MedGen C1860707, MONDO:0013199, OMIM 613254.

Submissions (5):

Labcorp Genetics (formerly Invitae), Labcorp
Classification: Uncertain significance for Tuberous sclerosis 2. Last evaluated: 2022-11-08. Review status: criteria provided, single submitter. Criteria: Invitae Variant Classification Sherloc (09022015). Collection method: clinical testing. Allele origin: germline.
Comment: Advanced modeling of protein sequence and biophysical properties (such as structural, functional, and spatial information, amino acid conservation, physicochemical variation, residue mobility, and thermodynamic stability) performed at Invitae indicates that this missense variant is not expected to disrupt TSC2 protein function. In summary, the available evidence is currently insufficient to determine the role of this variant in disease. Therefore, it has been classified as a Variant of Uncertain Significance. This missense change has been observed in individual(s) with tuberous sclerosis complex (PMID: 10735580). ClinVar contains an entry for this variant (Variation ID: 49173). This variant is not present in population databases (gnomAD no frequency). This sequence change replaces histidine, which is basic and polar, with arginine, which is basic and polar, at codon 593 of the TSC2 protein (p.His593Arg).

Division of Genomic Medicine, Department of Advanced Medicine, Medical Research Institute, Kanazawa Medical University
Classification: Likely pathogenic for Tuberous sclerosis 2. Last evaluated: 2022-07-19. Review status: criteria provided, single submitter. Criteria: ACMG Guidelines, 2015. Collection method: clinical testing. Allele origin: germline. Affected: yes. Observed: 2 variant alleles.
Comment: According to ACMG GL 2015, this variant located in Hamartin binding domain (PM1), absent from controls (PM2), multiple lines of computational evidence support a deleterious effect (PP3).

Genome-Nilou Lab
Classification: Uncertain significance for Tuberous sclerosis 2. Last evaluated: 2021-11-07. Review status: criteria provided, single submitter. Criteria: ACMG Guidelines, 2015. Collection method: clinical testing. Allele origin: germline. Affected: no.

GeneDx
Classification: Uncertain significance. Last evaluated: 2021-03-29. Review status: criteria provided, single submitter. Criteria: GeneDx Variant Classification Process June 2021. Collection method: clinical testing. Allele origin: germline. Affected: yes.
Comment: Reported previously as a possible polymorphism in a patient with a clinical diagnosis of TSC; however, no additional information was provided to unequivocally demonstrate that it is benign (Choy et al., 1999); Not observed in large population cohorts (Lek et al., 2016); In silico analysis, which includes protein predictors and evolutionary conservation, supports a deleterious effect; This variant is associated with the following publications: (PMID: 10735580, 17304050)

Tuberous sclerosis database (TSC2)
No classification provided. Condition: TSC. Review status: no classification provided. Criteria: Tuberous Sclerosis Database Assertion Criteria 2015. Collection method: curation. Allele origin: germline. Affected: yes. Not counted in ClinVar's aggregate classification.

Literature cited by the submitters: PubMed 10735580 (cited by Labcorp Genetics (formerly Invitae), Labcorp).

NM_000548.5(TSC2):c.1778A>G (p.His593Arg)

Gene: TSC2 (TSC complex subunit 2; plus strand). Cytogenetic location: 16p13.3.
Variant type: single nucleotide variant.
Coding change: c.1778A>G on transcript NM_000548.5 (MANE Select); coding-DNA position 1778, A replaced by G.
Protein change: p.His593Arg; replaces histidine 593 with arginine.
Molecular consequence: missense variant.
Genome position (GRCh38, 1-based): chr16:2,070,517, A>G. VCF-style: chr16-2070517-A-G. GRCh37 (hg19) VCF-style: chr16-2120518-A-G.
Other names: c.1778A>G, p.His593Arg (NM_001077183.3, NM_001114382.3, NM_001363528.2 and 3 more transcripts); c.1667A>G, p.His556Arg (NM_001318827.2); c.1631A>G, p.His544Arg (NM_001318829.2); c.1178A>G, p.His393Arg (NM_001318831.2); c.1811A>G, p.His604Arg (NM_001318832.2); short protein forms H593R, H544R, H604R, H393R, H556R.
Identifiers: ClinVar variation 49173 (VCV000049173.14), dbSNP rs45517198, ClinGen allele CA015696.
Genomic context (GRCh38, chr16:2,070,517, plus strand): 5'-CCAAGCTGTACACCCTGCCTGCAAGCCACGCCACGCGTGTGTATGAGATGCTGGTCAGCC[A>G]CATTCAGCTCCACTACAAGCACAGCTACACCCTGCCAATCGCGAGCAGCATCCGGCTGCA-3'
Protein context (NP_000539.2, residues 583-603): ATRVYEMLVS[His593Arg]IQLHYKHSYT